The following is an entry in ClinVar:

NM_001304438.2(TMEM132E):c.1296G>A (p.Thr432=)

Gene: TMEM132E (transmembrane protein 132E; plus strand). Cytogenetic location: 17q12.
Variant type: single nucleotide variant.
Coding change: c.1296G>A on transcript NM_001304438.2 (MANE Select); coding-DNA position 1296, G replaced by A.
Protein change: p.Thr432=; no amino-acid change (threonine 432 retained).
Molecular consequence: synonymous variant.
Genome position (GRCh38, 1-based): chr17:34,629,162, G>A. VCF-style: chr17-34629162-G-A. GRCh37 (hg19) VCF-style: chr17-32956181-G-A.
Other names: c.1296G>A (NM_001304438.1).
Identifiers: ClinVar variation 2716884 (VCV002716884.6), dbSNP rs774833623, ClinGen allele CA8496633.
Genomic context (GRCh38, chr17:34,629,162, plus strand): 5'-CATTGACTACCGTGGCCACGGCGCCCTGCCTGACCTGGAGCGGGCAGTCACTGAGCTGAC[G>A]GTCATTCAGCGGGATGTGCAAGCCATCCTGCCCCTGGCCATGGTGAGCAGGCAGGTGACC-3'
Protein context (NP_001291367.1, residues 422-442): PDLERAVTEL[Thr432=]VIQRDVQAIL

ClinVar aggregate classification (germline): Likely benign. Review status: criteria provided, multiple submitters, no conflicts (2 of 4 stars). 3 submissions from 3 submitters: Likely benign (2). 1 of the submissions does not count toward it. Last evaluated 2025-03-06.

Conditions:
TMEM132E-related disorder. Also called: TMEM132E-related condition.

Allele frequency attached by ClinVar (database versions not stated): ExAC 0.00002.
gnomAD v4.1: 87 of 1,614,130 alleles (0.0054%); highest among the groups gnomAD compares: East Asian, 0.0067%; 2 homozygotes.

Submissions (3):

Labcorp Genetics (formerly Invitae), Labcorp
Classification: Likely benign. Last evaluated: 2025-03-06. Review status: criteria provided, single submitter. Criteria: Invitae Variant Classification Sherloc (09022015). Collection method: clinical testing. Allele origin: germline.

Blueprint Genetics
Classification: Likely benign. Last evaluated: 2023-04-21. Review status: criteria provided, single submitter. Criteria: ACMG Guidelines, 2015. Collection method: clinical testing. Allele origin: germline.

PreventionGenetics, part of Exact Sciences
Classification: Likely benign for TMEM132E-related condition. Last evaluated: 2024-08-09. Review status: no assertion criteria provided. Collection method: clinical testing. Allele origin: germline. Not counted in ClinVar's aggregate classification.
Comment: This variant is classified as likely benign based on ACMG/AMP sequence variant interpretation guidelines (Richards et al. 2015 PMID: 25741868, with internal and published modifications).